The following is an entry in ClinVar:

ClinVar aggregate classification (germline): Uncertain significance. Review status: criteria provided, multiple submitters, no conflicts (2 of 4 stars). 2 submissions from 2 submitters: Uncertain significance (2). Last evaluated 2025-06-17.

Conditions:
Inborn genetic diseases. Identifiers: MedGen C0950123, MeSH D030342.

Allele frequency attached by ClinVar (database versions not stated): gnomAD 0.00001; gnomAD exomes 0.00002; TOPMed 0.00002; ExAC 0.00005; ESP Exome Variant Server 0.00015.
gnomAD v4.1: 26 of 1,607,246 alleles (0.0016%); highest among the groups gnomAD compares: African/African-American, 0.0053%; no homozygotes.

Submissions (2):

Ambry Genetics
Classification: Uncertain significance for Inborn genetic diseases. Last evaluated: 2025-06-17. Review status: criteria provided, single submitter. Criteria: Ambry Variant Classification Scheme 2023. Collection method: clinical testing. Allele origin: germline.

Labcorp Genetics (formerly Invitae), Labcorp
Classification: Uncertain significance. Last evaluated: 2023-10-03. Review status: criteria provided, single submitter. Criteria: Invitae Variant Classification Sherloc (09022015). Collection method: clinical testing. Allele origin: germline.
Comment: This sequence change replaces alanine, which is neutral and non-polar, with threonine, which is neutral and polar, at codon 615 of the HDAC4 protein (p.Ala615Thr). This variant is present in population databases (rs138463443, gnomAD 0.007%). This variant has not been reported in the literature in individuals affected with HDAC4-related conditions. Advanced modeling of protein sequence and biophysical properties (such as structural, functional, and spatial information, amino acid conservation, physicochemical variation, residue mobility, and thermodynamic stability) performed at Invitae indicates that this missense variant is not expected to disrupt HDAC4 protein function. In summary, the available evidence is currently insufficient to determine the role of this variant in disease. Therefore, it has been classified as a Variant of Uncertain Significance.

NM_001378414.1(HDAC4):c.1858G>A (p.Ala620Thr)

Gene: HDAC4 (histone deacetylase 4; minus strand). Cytogenetic location: 2q37.3.
Variant type: single nucleotide variant.
Coding change: c.1858G>A on transcript NM_001378414.1 (MANE Select); coding-DNA position 1858, G replaced by A.
Protein change: p.Ala620Thr; replaces alanine 620 with threonine.
Molecular consequence: missense variant.
Genome position (GRCh38, 1-based): chr2:239,111,646, C>T on the plus strand (G>A on the coding strand, the complement: HDAC4 is on the minus strand). VCF-style: chr2-239111646-C-T. GRCh37 (hg19) VCF-style: chr2-240033342-C-T.
Other names: c.1843G>A, p.Ala615Thr (NM_001378417.1, NM_006037.4, NM_001378416.1); c.1858G>A, p.Ala620Thr (NM_001378415.1); c.1843G>A (NM_006037.3); short protein forms A620T, A615T.
Identifiers: ClinVar variation 3014138 (VCV003014138.4), dbSNP rs138463443, ClinGen allele CA2199656.